The following is an entry in ClinVar:

NM_006363.6(SEC23B):c.319C>A (p.Pro107Thr)

Gene: SEC23B (SEC23 homolog B, COPII component; plus strand). Cytogenetic location: 20p11.23.
Variant type: single nucleotide variant.
Coding change: c.319C>A on transcript NM_006363.6 (MANE Select); coding-DNA position 319, C replaced by A.
Protein change: p.Pro107Thr; replaces proline 107 with threonine.
Molecular consequence: missense variant.
Genome position (GRCh38, 1-based): chr20:18,515,689, C>A. VCF-style: chr20-18515689-C-A. GRCh37 (hg19) VCF-style: chr20-18496333-C-A.
Other names: c.319C>A, p.Pro107Thr (NM_001172745.3, NM_001172746.3, NM_032985.6 and 1 more transcripts); short protein forms P107T.
Identifiers: ClinVar variation 4794230 (VCV004794230.1).

ClinVar aggregate classification (germline): Uncertain significance (1 of 4 stars; one submission).

Conditions:
Congenital dyserythropoietic anemia, type II (CDAN2). Also called: DYSERYTHROPOIETIC ANEMIA, HEMPAS TYPE. Identifiers: Orphanet 98873, MedGen C1306589, MONDO:0009134, OMIM 224100.
Cowden syndrome 7 (CWS7). Identifiers: Orphanet 201, MedGen C4225179, MONDO:0014802, OMIM 616858.

Submission:

Labcorp Genetics (formerly Invitae), Labcorp
Classification: Uncertain significance for Congenital dyserythropoietic anemia, type II; Cowden syndrome 7. Last evaluated: 2025-03-29. Review status: criteria provided, single submitter. Criteria: Invitae Variant Classification Sherloc (09022015). Collection method: clinical testing. Allele origin: germline.
Comment: This sequence change replaces proline, which is neutral and non-polar, with threonine, which is neutral and polar, at codon 107 of the SEC23B protein (p.Pro107Thr). This variant is not present in population databases (gnomAD no frequency). This variant has not been reported in the literature in individuals affected with SEC23B-related conditions. Invitae Evidence Modeling of protein sequence and biophysical properties (such as structural, functional, and spatial information, amino acid conservation, physicochemical variation, residue mobility, and thermodynamic stability) indicates that this missense variant is expected to disrupt SEC23B protein function with a positive predictive value of 95%. In summary, the available evidence is currently insufficient to determine the role of this variant in disease. Therefore, it has been classified as a Variant of Uncertain Significance.